The following is an entry in ClinVar:

NM_003072.5(SMARCA4):c.1804G>A (p.Asp602Asn)

Gene: SMARCA4 (SWI/SNF related BAF chromatin remodeling complex subunit ATPase 4; plus strand). Cytogenetic location: 19p13.2.
Variant type: single nucleotide variant.
Coding change: c.1804G>A on transcript NM_003072.5 (MANE Select); coding-DNA position 1804, G replaced by A.
Protein change: p.Asp602Asn; replaces aspartic acid 602 with asparagine.
Molecular consequence: missense variant. On other transcripts: non-coding transcript variant (1).
Genome position (GRCh38, 1-based): chr19:10,996,536, G>A. VCF-style: chr19-10996536-G-A. GRCh37 (hg19) VCF-style: chr19-11107212-G-A.
Other names: c.1804G>A, p.Asp602Asn (NM_001128844.3, NM_001128845.2, NM_001128846.2 and 5 more transcripts); short protein forms D602N.
Identifiers: ClinVar variation 1038368 (VCV001038368.8), dbSNP rs2087068449, ClinGen allele CA404064873.

ClinVar aggregate classification (germline): Uncertain significance (1 of 4 stars; one submission).

Conditions:
Rhabdoid tumor predisposition syndrome 2 (RTPS2). Identifiers: Orphanet 231108, Orphanet 69077, MedGen C2750074, MONDO:0013224, OMIM 613325.

Allele frequency attached by ClinVar (database versions not stated): gnomAD exomes below 0.00001.
gnomAD v4.1: 1 of 1,614,182 alleles (0.000062%); highest among the groups gnomAD compares: Non-Finnish European, 0.000085%; no homozygotes.

Submission:

Labcorp Genetics (formerly Invitae), Labcorp
Classification: Uncertain significance for Rhabdoid tumor predisposition syndrome 2. Last evaluated: 2020-04-08. Review status: criteria provided, single submitter. Criteria: Invitae Variant Classification Sherloc (09022015). Collection method: clinical testing. Allele origin: germline.
Comment: In summary, the available evidence is currently insufficient to determine the role of this variant in disease. Therefore, it has been classified as a Variant of Uncertain Significance. Algorithms developed to predict the effect of missense changes on protein structure and function are either unavailable or do not agree on the potential impact of this missense change (SIFT: "Deleterious"; PolyPhen-2: "Benign"; Align-GVGD: "Class C15"). This variant has not been reported in the literature in individuals with SMARCA4-related conditions. This variant is not present in population databases (ExAC no frequency). This sequence change replaces aspartic acid with asparagine at codon 602 of the SMARCA4 protein (p.Asp602Asn). The aspartic acid residue is highly conserved and there is a small physicochemical difference between aspartic acid and asparagine.